The following is an entry in ClinVar:

ClinVar aggregate classification (germline): Uncertain significance (1 of 4 stars; one submission).

Conditions:
Hereditary cancer-predisposing syndrome. Also called: Neoplastic Syndromes, Hereditary; Tumor predisposition; Hereditary Cancer Syndrome; Hereditary neoplastic syndrome. Identifiers: Orphanet 140162, MedGen C0027672, MeSH D009386, MONDO:0015356.

Submission:

Ambry Genetics
Classification: Uncertain significance for Hereditary cancer-predisposing syndrome. Last evaluated: 2025-12-30. Review status: criteria provided, single submitter. Criteria: Ambry Variant Classification Scheme 2023. Collection method: clinical testing. Allele origin: germline.
Comment: The p.R379P variant (also known as c.1136G>C), located in coding exon 9 of the SDHA gene, results from a G to C substitution at nucleotide position 1136. The arginine at codon 379 is replaced by proline, an amino acid with dissimilar properties. This amino acid position is highly conserved in available vertebrate species. In addition, this alteration is predicted to be deleterious by in silico analysis. Based on the available evidence, the clinical significance of this variant remains unclear.

NM_004168.4(SDHA):c.1136G>C (p.Arg379Pro)

Gene: SDHA (succinate dehydrogenase complex flavoprotein subunit A; plus strand). Cytogenetic location: 5p15.33.
Variant type: single nucleotide variant.
Coding change: c.1136G>C on transcript NM_004168.4 (MANE Select); coding-DNA position 1136, G replaced by C.
Protein change: p.Arg379Pro; replaces arginine 379 with proline.
Molecular consequence: missense variant.
Genome position (GRCh38, 1-based): chr5:235,215, G>C. VCF-style: chr5-235215-G-C. GRCh37 (hg19) VCF-style: chr5-235330-G-C.
Other names: c.992G>C, p.Arg331Pro (NM_001294332.2); c.1136G>C, p.Arg379Pro (NM_001330758.2); short protein forms R331P, R379P.
Identifiers: ClinVar variation 4843555 (VCV004843555.1).
Genomic context (GRCh38, chr5:235,215, plus strand): 5'-CTGAGAAAGATCACGTCTACCTGCAGCTGCACCACCTACCTCCAGAGCAGCTGGCCACGC[G>C]CCTGCCTGGCATTTCAGAGACAGCCATGATCTTCGCTGGCGTGGACGTCACGAAGGAGCC-3'
Protein context (NP_004159.2, residues 369-389): HHLPPEQLAT[Arg379Pro]LPGISETAMI